The following is an entry in ClinVar:

ClinVar aggregate classification (germline): Uncertain significance (1 of 4 stars; one submission).

Allele frequency attached by ClinVar (database versions not stated): gnomAD exomes 0.00003; gnomAD 0.00005; ESP Exome Variant Server 0.00008; ExAC 0.00009; 1000 Genomes Project 30x 0.00031; 1000 Genomes Project 0.00040.

Submission:

Labcorp Genetics (formerly Invitae), Labcorp
Classification: Uncertain significance. Last evaluated: 2022-09-01. Review status: criteria provided, single submitter. Criteria: Invitae Variant Classification Sherloc (09022015). Collection method: clinical testing. Allele origin: germline.
Comment: This sequence change replaces proline, which is neutral and non-polar, with leucine, which is neutral and non-polar, at codon 218 of the RASGRP2 protein (p.Pro218Leu). This variant is present in population databases (rs376286649, gnomAD 0.03%). This variant has not been reported in the literature in individuals affected with RASGRP2-related conditions. Algorithms developed to predict the effect of missense changes on protein structure and function (SIFT, PolyPhen-2, Align-GVGD) all suggest that this variant is likely to be tolerated. In summary, the available evidence is currently insufficient to determine the role of this variant in disease. Therefore, it has been classified as a Variant of Uncertain Significance.

NM_001098671.2(RASGRP2):c.653C>T (p.Pro218Leu)

Gene: RASGRP2 (RAS guanyl releasing protein 2; minus strand). Cytogenetic location: 11q13.1.
Variant type: single nucleotide variant.
Coding change: c.653C>T on transcript NM_001098671.2 (MANE Select); coding-DNA position 653, C replaced by T.
Protein change: p.Pro218Leu; replaces proline 218 with leucine.
Molecular consequence: missense variant.
Genome position (GRCh38, 1-based): chr11:64,739,679, G>A on the plus strand (C>T on the coding strand, the complement: RASGRP2 is on the minus strand). VCF-style: chr11-64739679-G-A. GRCh37 (hg19) VCF-style: chr11-64507151-G-A.
Other names: c.653C>T, p.Pro218Leu (NM_001098670.2, NM_153819.2); c.218C>T, p.Pro73Leu (NM_001318398.2); short protein forms P73L, P218L.
Identifiers: ClinVar variation 2155238 (VCV002155238.1), dbSNP rs376286649, ClinGen allele CA6079174.